The following is an entry in ClinVar:

NM_001131016.2(CIZ1):c.1176G>C (p.Gln392His)

Gene: CIZ1 (CDKN1A interacting zinc finger protein 1; minus strand). Cytogenetic location: 9q34.11.
Variant type: single nucleotide variant.
Coding change: c.1176G>C on transcript NM_001131016.2 (MANE Select); coding-DNA position 1176, G replaced by C.
Protein change: p.Gln392His; replaces glutamine 392 with histidine.
Molecular consequence: missense variant. On other transcripts: intron variant (3).
Genome position (GRCh38, 1-based): chr9:128,179,031, C>G on the plus strand (G>C on the coding strand, the complement: CIZ1 is on the minus strand). VCF-style: chr9-128179031-C-G. GRCh37 (hg19) VCF-style: chr9-130941310-C-G.
Other names: c.1266G>C, p.Gln422His (NM_001257975.2); c.873G>C, p.Gln291His (NM_001257976.2); c.1176G>C, p.Gln392His (NM_012127.3); c.1134+42G>C (NM_001131015.2); c.1062+42G>C (NM_001131018.2); c.1119+42G>C (NM_001131017.2); short protein forms Q392H, Q422H, Q291H.
Identifiers: ClinVar variation 1896066 (VCV001896066.5), dbSNP rs2538806878, ClinGen allele CA375027674.

ClinVar aggregate classification (germline): Uncertain significance (1 of 4 stars; one submission).

Conditions:
Dystonic disorder. Also called: Dystonia. Identifiers: MedGen C0013421, MONDO:0003441, HP:0001332.

Submission:

Labcorp Genetics (formerly Invitae), Labcorp
Classification: Uncertain significance for Dystonic disorder. Last evaluated: 2022-06-15. Review status: criteria provided, single submitter. Criteria: Invitae Variant Classification Sherloc (09022015). Collection method: clinical testing. Allele origin: germline.
Comment: This sequence change replaces glutamine, which is neutral and polar, with histidine, which is basic and polar, at codon 392 of the CIZ1 protein (p.Gln392His). In summary, the available evidence is currently insufficient to determine the role of this variant in disease. Therefore, it has been classified as a Variant of Uncertain Significance. Algorithms developed to predict the effect of missense changes on protein structure and function (SIFT, PolyPhen-2, Align-GVGD) all suggest that this variant is likely to be tolerated. This variant has not been reported in the literature in individuals affected with CIZ1-related conditions. This variant is not present in population databases (gnomAD no frequency).